The following is an entry in ClinVar:

ClinVar aggregate classification (germline): Uncertain significance. Review status: criteria provided, multiple submitters, no conflicts (2 of 4 stars). 2 submissions from 2 submitters: Uncertain significance (2). Last evaluated 2024-05-14.

Conditions:
Ehlers-Danlos syndrome, type 4 (EDSVASC). Also called: Ehlers-Danlos syndrome vascular type; Ehlers Danlos syndrome, ecchymotic type; Ehlers Danlos syndrome, arterial type; Ehlers Danlos syndrome, Sack-Barabas type; Ehlers-Danlos Syndrome Type IV. Identifiers: Orphanet 286, MedGen C0268338, MONDO:0017314, OMIM 130050.

Allele frequency attached by ClinVar (database versions not stated): gnomAD 0.00001; TOPMed 0.00001.
gnomAD v4.1: 1 of 1,614,070 alleles (0.000062%); highest among the groups gnomAD compares: African/African-American, 0.0013%; no homozygotes.

Submissions (2):

All of Us Research Program, National Institutes of Health
Classification: Uncertain significance for Ehlers-Danlos syndrome, type 4. Last evaluated: 2024-05-14. Review status: criteria provided, single submitter. Criteria: ACMG Guidelines, 2015. Collection method: clinical testing. Allele origin: germline. Inheritance: Autosomal dominant inheritance. Observed: 1 variant allele, 1 heterozygote.
Comment: This missense variant replaces glutamic acid with aspartic acid at codon 1233 of the COL3A1 protein. Computational prediction tools indicate that this variant has a neutral impact on protein structure and function. To our knowledge, functional studies have not been reported for this variant. This variant has not been reported in individuals affected with COL3A1-related disorders in the literature. This variant has not been identified in the general population by the Genome Aggregation Database (gnomAD). The available evidence is insufficient to determine the role of this variant in disease conclusively. Therefore, this variant is classified as a Variant of Uncertain Significance.

This study involves interpretation of variants in research participants for the purpose of population health screening. Participant phenotype was not available at the time of variant classification. Additional details can be found in publication PMID: 35346344, PMCID: PMC8962531

GeneDx
Classification: Uncertain significance. Last evaluated: 2022-10-12. Review status: criteria provided, single submitter. Criteria: GeneDx Variant Classification Process June 2021. Collection method: clinical testing. Allele origin: germline. Affected: yes.
Comment: Not observed at significant frequency in large population cohorts (gnomAD); In silico analysis supports that this missense variant does not alter protein structure/function; Has not been previously published as pathogenic or benign to our knowledge; Not located in the triple helical region, where the majority of pathogenic missense variants occur (HGMD)

NM_000090.4(COL3A1):c.3699G>C (p.Glu1233Asp)

Gene: COL3A1 (collagen type III alpha 1 chain; plus strand). Cytogenetic location: 2q32.2.
Variant type: single nucleotide variant.
Coding change: c.3699G>C on transcript NM_000090.4 (MANE Select); coding-DNA position 3699, G replaced by C.
Protein change: p.Glu1233Asp; replaces glutamic acid 1233 with aspartic acid.
Molecular consequence: missense variant.
Genome position (GRCh38, 1-based): chr2:189,009,097, G>C. VCF-style: chr2-189009097-G-C. GRCh37 (hg19) VCF-style: chr2-189873823-G-C.
Other names: short protein forms E1233D.
Identifiers: ClinVar variation 2499450 (VCV002499450.2), dbSNP rs1006184701, ClinGen allele CA62562919.